The following is an entry in ClinVar:

NM_000264.5(PTCH1):c.2827C>A (p.Pro943Thr)

Gene: PTCH1 (patched 1; minus strand). Cytogenetic location: 9q22.32.
Variant type: single nucleotide variant.
Coding change: c.2827C>A on transcript NM_000264.5 (MANE Select); coding-DNA position 2827, C replaced by A.
Protein change: p.Pro943Thr; replaces proline 943 with threonine.
Molecular consequence: missense variant. On other transcripts: non-coding transcript variant (1).
Genome position (GRCh38, 1-based): chr9:95,459,660, G>T on the plus strand (C>A on the coding strand, the complement: PTCH1 is on the minus strand). VCF-style: chr9-95459660-G-T. GRCh37 (hg19) VCF-style: chr9-98221942-G-T.
Other names: c.2629C>A, p.Pro877Thr (NM_001083602.3); c.2824C>A, p.Pro942Thr (NM_001083603.3); c.2374C>A, p.Pro792Thr (NM_001083604.3, NM_001083605.3, NM_001083606.3 and 1 more transcripts); c.2671C>A, p.Pro891Thr (NM_001354918.2); short protein forms P891T, P792T, P877T, P942T, P943T.
Identifiers: ClinVar variation 1796509 (VCV001796509.5), dbSNP rs2136670918, ClinGen allele CA374112998.

ClinVar aggregate classification (germline): Uncertain significance. Review status: criteria provided, multiple submitters, no conflicts (2 of 4 stars). 2 submissions from 2 submitters: Uncertain significance (2). Last evaluated 2026-05-07.

Conditions:
Hereditary cancer-predisposing syndrome. Also called: Neoplastic Syndromes, Hereditary; Tumor predisposition; Hereditary neoplastic syndrome; Hereditary Cancer Syndrome. Identifiers: Orphanet 140162, MedGen C0027672, MeSH D009386, MONDO:0015356.

Submissions (2):

Ambry Genetics
Classification: Uncertain significance for Hereditary cancer-predisposing syndrome. Last evaluated: 2026-05-07. Review status: criteria provided, single submitter. Criteria: Ambry Variant Classification Scheme 2023. Collection method: clinical testing. Allele origin: germline.
Comment: The p.P943T variant (also known as c.2827C>A), located in coding exon 17 of the PTCH1 gene, results from a C to A substitution at nucleotide position 2827. The proline at codon 943 is replaced by threonine, an amino acid with highly similar properties. This amino acid position is highly conserved in available vertebrate species. In addition, this alteration is predicted to be deleterious by in silico analysis. Based on the available evidence, the clinical significance of this variant remains unclear.

Dasa
Classification: Uncertain significance. Last evaluated: 2025-08-20. Review status: criteria provided, single submitter. Criteria: DASA Assertion Criteria. Collection method: clinical testing. Allele origin: germline.
Comment: NM_000264.5(PTCH1):c.2827C>A (p.Pro943Thr) is a missense variant that results in the substitution of proline with threonine. This variant is absent from population databases. Computational prediction algorithms are consistent with a deleterious effect. The currently available literature and clinical evidence are not sufficient to establish a definitive association between this variant and the reported condition. Therefore, this variant is classified as a variant of uncertain significance.